The following is an entry in ClinVar:

NM_015215.4(CAMTA1):c.1460G>A (p.Cys487Tyr)

Gene: CAMTA1 (calmodulin binding transcription activator 1; plus strand). Cytogenetic location: 1p36.23.
Variant type: single nucleotide variant.
Coding change: c.1460G>A on transcript NM_015215.4 (MANE Select); coding-DNA position 1460, G replaced by A.
Protein change: p.Cys487Tyr; replaces cysteine 487 with tyrosine.
Molecular consequence: missense variant.
Genome position (GRCh38, 1-based): chr1:7,664,007, G>A. VCF-style: chr1-7664007-G-A. GRCh37 (hg19) VCF-style: chr1-7724067-G-A.
Other names: c.1370G>A, p.Cys457Tyr (NM_001349608.2, NM_001349612.2); c.1460G>A, p.Cys487Tyr (NM_001349609.2, NM_001349610.2, NM_001410737.1); c.1388G>A, p.Cys463Tyr (NM_001410738.1); short protein forms C457Y, C463Y, C487Y.
Identifiers: ClinVar variation 3383911 (VCV003383911.1).

ClinVar aggregate classification (germline): Uncertain significance (1 of 4 stars; one submission).

Submission:

GeneDx
Classification: Uncertain significance. Last evaluated: 2024-06-02. Review status: criteria provided, single submitter. Criteria: GeneDx Variant Classification Process June 2021. Collection method: clinical testing. Allele origin: germline. Affected: yes.
Comment: Not observed at significant frequency in large population cohorts (gnomAD); In silico analysis supports that this missense variant has a deleterious effect on protein structure/function; Has not been previously published as pathogenic or benign to our knowledge